The following is an entry in ClinVar:

ClinVar aggregate classification (germline): Pathogenic (1 of 4 stars; one submission).

Conditions:
Cone-rod dystrophy 13 (CORD13). Identifiers: Orphanet 1872, MedGen C2750720, MONDO:0011987, OMIM 608194.
Leber congenital amaurosis 6 (LCA6). Identifiers: Orphanet 65, MedGen C1854260, MONDO:0013446, OMIM 613826.

Submission:

Labcorp Genetics (formerly Invitae), Labcorp
Classification: Pathogenic for Leber congenital amaurosis 6; Cone-rod dystrophy 13. Last evaluated: 2022-09-21. Review status: criteria provided, single submitter. Criteria: Invitae Variant Classification Sherloc (09022015). Collection method: clinical testing. Allele origin: germline.
Comment: This variant is a gross deletion of the genomic region encompassing exon(s) 19 of the RPGRIP1 gene. This deletion is out-of-frame, and is expected to create a premature termination codon and result in an absent or disrupted protein product. Loss-of-function variants in RPGRIP1 are known to be pathogenic (PMID: 11528500, 23105016). A similar copy number variant has been observed in individual(s) with clinical features of inherited retinal dystrophy (PMID: 28378820, 30072743). For these reasons, this variant has been classified as Pathogenic.

Literature cited by the submitters: PubMed 11528500; PubMed 23105016; PubMed 28378820; PubMed 30072743.

NC_000014.8:g.(?_21798388)_(21798566_?)del

Gene: RPGRIP1 (RPGR interacting protein 1; plus strand). Cytogenetic location: 14q11.2.
Variant type: Deletion.
Identifiers: ClinVar variation 1073082 (VCV001073082.2).